The following is an entry in ClinVar:

NM_001458.5(FLNC):c.6894C>T (p.Pro2298=)

Genes: FLNC (filamin C; plus strand), FLNC-AS1 (FLNC antisense RNA 1; minus strand). Cytogenetic location: 7q32.1.
Variant type: single nucleotide variant.
Coding change: c.6894C>T on transcript NM_001458.5 (MANE Select); coding-DNA position 6894, C replaced by T.
Protein change: p.Pro2298=; no amino-acid change (proline 2298 retained).
Molecular consequence: synonymous variant.
Genome position (GRCh38, 1-based): chr7:128,854,579, C>T. VCF-style: chr7-128854579-C-T. GRCh37 (hg19) VCF-style: chr7-128494633-C-T.
Other names: c.6894C>T (NM_001458.4); c.6795C>T, p.Pro2265= (NM_001127487.2).
Identifiers: ClinVar variation 1574504 (VCV001574504.32), dbSNP rs765567723, ClinGen allele CA4476111.
Genomic context (GRCh38, chr7:128,854,579, plus strand): 5'-TGTGCCCCAGGAAATGGGGCCCCATACGGTCGCTGTCAAGTACCGTGGCCAGCACGTGCC[C>T]GGCAGCCCCTTTCAGTTCACTGTGGGGCCGCTGGGTGAAGGTGGTGCCCACAAGGTGCGG-3'
Protein context (NP_001449.3, residues 2288-2308): VAVKYRGQHV[Pro2298=]GSPFQFTVGP

ClinVar aggregate classification (germline): Likely benign. Review status: criteria provided, multiple submitters, no conflicts (2 of 4 stars). 4 submissions from 4 submitters: Likely benign (4). Last evaluated 2026-03-24.

Conditions:
FLNC-related disorder. Also called: FLNC-related disorders; FLNC-related condition.
Cardiovascular phenotype. Identifiers: MedGen CN230736.
Myofibrillar myopathy 5. Also called: Filaminopathy (type); FILAMINOPATHY, AUTOSOMAL DOMINANT. Identifiers: Orphanet 171445, MedGen C1836050, MONDO:0012289, OMIM 609524.
Hypertrophic cardiomyopathy 26. Also called: Cardiomyopathy, familial hypertrophic, 26. Identifiers: Orphanet 75249, MedGen C4310749, MONDO:0014883, OMIM 617047.
Distal myopathy with posterior leg and anterior hand involvement. Also called: WILLIAMS DISTAL MYOPATHY. Identifiers: Orphanet 63273, MedGen C3279722, MONDO:0013550, OMIM 614065.

Allele frequency attached by ClinVar (database versions not stated): TOPMed 0.00002; gnomAD 0.00003 and 0.00004.
gnomAD v4.1: 34 of 1,609,366 alleles (0.0021%); highest among the groups gnomAD compares: South Asian, 0.012%; no homozygotes.

Submissions (4):

PreventionGenetics, part of Exact Sciences
Classification: Likely benign for FLNC-related condition. Last evaluated: 2026-03-24. Review status: criteria provided, single submitter. Criteria: ACMG Guidelines, 2015. Collection method: clinical testing. Allele origin: germline.
Comment: This variant is classified as likely benign based on ACMG/AMP sequence variant interpretation guidelines (Richards et al. 2015 PMID: 25741868, with internal and published modifications).

Labcorp Genetics (formerly Invitae), Labcorp
Classification: Likely benign for Distal myopathy with posterior leg and anterior hand involvement; Myofibrillar myopathy 5; Hypertrophic cardiomyopathy 26. Last evaluated: 2026-01-19. Review status: criteria provided, single submitter. Criteria: Invitae Variant Classification Sherloc (09022015). Collection method: clinical testing. Allele origin: germline.

Ambry Genetics
Classification: Likely benign for Cardiovascular phenotype. Last evaluated: 2024-05-24. Review status: criteria provided, single submitter. Criteria: Ambry Variant Classification Scheme 2023. Collection method: clinical testing. Allele origin: germline.

CeGaT Center for Human Genetics Tuebingen
Classification: Likely benign. Last evaluated: 2024-01-01. Review status: criteria provided, single submitter. Criteria: CeGaT Center For Human Genetics Tuebingen Variant Classification Criteria Version 2. Collection method: clinical testing. Allele origin: germline. Affected: yes. Observed: 1 variant allele.
Comment: FLNC: BP4, BP7